The following is an entry in ClinVar:

ClinVar aggregate classification (germline): Uncertain significance. Review status: criteria provided, multiple submitters, no conflicts (2 of 4 stars). 6 submissions from 6 submitters: Uncertain significance (6). Last evaluated 2025-11-11.

Conditions:
Hereditary cancer-predisposing syndrome. Also called: Hereditary Cancer Syndrome; Hereditary neoplastic syndrome; Tumor predisposition; Neoplastic Syndromes, Hereditary. Identifiers: Orphanet 140162, MedGen C0027672, MeSH D009386, MONDO:0015356.
Familial adenomatous polyposis 1 (FAP1). Also called: FAMILIAL ADENOMATOUS POLYPOSIS 1, ATTENUATED; POLYPOSIS, ADENOMATOUS INTESTINAL. Identifiers: MedGen C2713442, MONDO:0021056, OMIM 175100. Disease mechanism: loss of function.

gnomAD v4.1: 4 of 1,614,220 alleles (0.00025%); highest among the groups gnomAD compares: Non-Finnish European, 0.00034%; no homozygotes.

Submissions (6):

Labcorp Genetics (formerly Invitae), Labcorp
Classification: Uncertain significance for Familial adenomatous polyposis 1. Last evaluated: 2025-11-11. Review status: criteria provided, single submitter. Criteria: Invitae Variant Classification Sherloc (09022015). Collection method: clinical testing. Allele origin: germline.
Comment: This sequence change replaces aspartic acid, which is acidic and polar, with alanine, which is neutral and non-polar, at codon 1532 of the APC protein (p.Asp1532Ala). This variant is not present in population databases (gnomAD no frequency). This variant has not been reported in the literature in individuals affected with APC-related conditions. ClinVar contains an entry for this variant (Variation ID: 629062). Invitae Evidence Modeling of protein sequence and biophysical properties (such as structural, functional, and spatial information, amino acid conservation, physicochemical variation, residue mobility, and thermodynamic stability) indicates that this missense variant is not expected to disrupt APC protein function with a negative predictive value of 95%. In summary, the available evidence is currently insufficient to determine the role of this variant in disease. Therefore, it has been classified as a Variant of Uncertain Significance.

Dasa
Classification: Uncertain significance. Last evaluated: 2025-10-16. Review status: criteria provided, single submitter. Criteria: DASA Assertion Criteria. Collection method: clinical testing. Allele origin: germline.
Comment: NM_000038.6(APC):c.4595A>C (p.Asp1532Ala) is a missense variant that results in the substitution of aspartic acid with alanine. This variant is rare in population databases. The currently available literature and clinical evidence are not sufficient to establish a definitive association between this variant and the reported condition. Therefore, this variant is classified as a variant of uncertain significance.

Ambry Genetics
Classification: Uncertain significance for Hereditary cancer-predisposing syndrome. Last evaluated: 2025-10-13. Review status: criteria provided, single submitter. Criteria: Ambry Variant Classification Scheme 2023. Collection method: clinical testing. Allele origin: germline.
Comment: The p.D1532A variant (also known as c.4595A>C), located in coding exon 15 of the APC gene, results from an A to C substitution at nucleotide position 4595. The aspartic acid at codon 1532 is replaced by alanine, an amino acid with dissimilar properties. This amino acid position is conserved. In addition, in silico predictors for this gene do not accurately predict pathogenicity. Based on the available evidence, the clinical significance of this variant remains unclear.

Color Diagnostics, LLC DBA Color Health
Classification: Uncertain significance for Hereditary cancer-predisposing syndrome. Last evaluated: 2024-03-06. Review status: criteria provided, single submitter. Criteria: ACMG Guidelines, 2015. Collection method: clinical testing. Allele origin: germline.
Comment: This missense variant replaces aspartic acid with alanine at codon 1532 of the APC protein. Computational prediction suggests that this variant may not impact protein structure and function (internally defined REVEL score threshold <= 0.5, PMID: 27666373). To our knowledge, functional studies have not been reported for this variant. This variant has not been reported in individuals affected with APC-related disorders in the literature. This variant has not been identified in the general population by the Genome Aggregation Database (gnomAD). The available evidence is insufficient to determine the role of this variant in disease conclusively. Therefore, this variant is classified as a Variant of Uncertain Significance.

GeneDx
Classification: Uncertain significance. Last evaluated: 2024-01-08. Review status: criteria provided, single submitter. Criteria: GeneDx Variant Classification Process June 2021. Collection method: clinical testing. Allele origin: germline. Affected: yes.
Comment: Not observed at significant frequency in large population cohorts (gnomAD); In silico analysis supports that this missense variant does not alter protein structure/function; Has not been previously published as pathogenic or benign to our knowledge

Baylor Genetics
Classification: Uncertain significance for Familial adenomatous polyposis 1. Last evaluated: 2023-09-13. Review status: criteria provided, single submitter. Criteria: ACMG Guidelines, 2015. Collection method: clinical testing. Allele origin: unknown.

NM_000038.6(APC):c.4595A>C (p.Asp1532Ala)

Gene: APC (APC regulator of Wnt signaling pathway; plus strand). Cytogenetic location: 5q22.2.
Variant type: single nucleotide variant.
Coding change: c.4595A>C on transcript NM_000038.6 (MANE Select); coding-DNA position 4595, A replaced by C.
Protein change: p.Asp1532Ala; replaces aspartic acid 1532 with alanine.
Molecular consequence: missense variant.
Genome position (GRCh38, 1-based): chr5:112,840,189, A>C. VCF-style: chr5-112840189-A-C. GRCh37 (hg19) VCF-style: chr5-112175886-A-C.
Other names: c.4595A>C, p.Asp1532Ala (NM_001127510.3, NM_001354895.2); c.4541A>C, p.Asp1514Ala (NM_001127511.3); c.4649A>C, p.Asp1550Ala (NM_001354896.2); c.4625A>C, p.Asp1542Ala (NM_001354897.2); c.4520A>C, p.Asp1507Ala (NM_001354898.2); c.4511A>C, p.Asp1504Ala (NM_001354899.2); c.4472A>C, p.Asp1491Ala (NM_001354900.2); c.4418A>C, p.Asp1473Ala (NM_001354901.2); and 5 more; short protein forms D1532A, D1514A, D1372A, D1431A, D1441A, D1473A, D1542A, D1249A.
Identifiers: ClinVar variation 629062 (VCV000629062.18), dbSNP rs904971132, ClinGen allele CA16031394.
Genomic context (GRCh38, chr5:112,840,189, plus strand): 5'-ATGAGCCATTTATACAGAAAGATGTGGAATTAAGAATAATGCCTCCAGTTCAGGAAAATG[A>C]CAATGGGAATGAAACAGAATCAGAGCAGCCTAAAGAATCAAATGAAAACCAAGAGAAAGA-3'
Protein context (NP_000029.2, residues 1522-1542): LRIMPPVQEN[Asp1532Ala]NGNETESEQP